The following is an entry in ClinVar:

NM_012330.4(KAT6B):c.2282A>G (p.Lys761Arg)

Gene: KAT6B (lysine acetyltransferase 6B; plus strand). Cytogenetic location: 10q22.2.
Variant type: single nucleotide variant.
Coding change: c.2282A>G on transcript NM_012330.4 (MANE Select); coding-DNA position 2282, A replaced by G.
Protein change: p.Lys761Arg; replaces lysine 761 with arginine.
Molecular consequence: missense variant. On other transcripts: intron variant (2).
Genome position (GRCh38, 1-based): chr10:74,981,837, A>G. VCF-style: chr10-74981837-A-G. GRCh37 (hg19) VCF-style: chr10-76741595-A-G.
Other names: c.1733A>G, p.Lys578Arg (NM_001256468.2, NM_001370138.1); c.1406A>G, p.Lys469Arg (NM_001256469.2, NM_001370132.1, NM_001370139.1 and 3 more transcripts); c.359A>G, p.Lys120Arg (NM_001370134.1); c.2282A>G, p.Lys761Arg (NM_001370136.1, NM_001370137.1); c.1217A>G, p.Lys406Arg (NM_001370143.1, NM_001370144.1); c.847-7182A>G (NM_001370133.1); c.193-7182A>G (NM_001370135.1); short protein forms K120R, K469R, K761R, K406R, K578R.
Identifiers: ClinVar variation 2854490 (VCV002854490.4), dbSNP rs1842534871, ClinGen allele CA377292966.

ClinVar aggregate classification (germline): Uncertain significance. Review status: criteria provided, multiple submitters, no conflicts (2 of 4 stars). 2 submissions from 2 submitters: Uncertain significance (2). Last evaluated 2024-03-07.

Conditions:
Genitopatellar syndrome (GTPTS). Also called: Genitopatellar syndrome (GPS); ABSENT PATELLAE, SCROTAL HYPOPLASIA, RENAL ANOMALIES, FACIAL DYSMORPHISM, AND MENTAL RETARDATION. Identifiers: Orphanet 85201, MedGen C1853566, MONDO:0011640, OMIM 606170.
Blepharophimosis - intellectual disability syndrome, SBBYS type (SBBYSS). Also called: Say-Barber-Biesecker-Young-Simpson variant of Ohdo Syndrome; Say-Barber-Biesecker Variant of Ohdo Syndrome; Young Simpson syndrome; Mental retardation unusual facies hypothyroidism; Say-Barber-Biesecker variant of Ohdo syndrome (SBBYSS); Ohdo syndrome, SBBYS variant. Identifiers: Orphanet 3047, MedGen C1863557, MONDO:0011365, OMIM 603736.

Allele frequency attached by ClinVar (database versions not stated): gnomAD exomes below 0.00001; TOPMed below 0.00001.
gnomAD v4.1: 1 of 1,586,918 alleles (0.000063%); highest among the groups gnomAD compares: Admixed American, 0.0017%; no homozygotes.

Submissions (2):

Labcorp Genetics (formerly Invitae), Labcorp
Classification: Uncertain significance for Genitopatellar syndrome. Last evaluated: 2024-03-07. Review status: criteria provided, single submitter. Criteria: Invitae Variant Classification Sherloc (09022015). Collection method: clinical testing. Allele origin: germline.
Comment: This sequence change replaces lysine, which is basic and polar, with arginine, which is basic and polar, at codon 761 of the KAT6B protein (p.Lys761Arg). This variant is not present in population databases (gnomAD no frequency). This variant has not been reported in the literature in individuals affected with KAT6B-related conditions. Advanced modeling of protein sequence and biophysical properties (such as structural, functional, and spatial information, amino acid conservation, physicochemical variation, residue mobility, and thermodynamic stability) performed at Invitae indicates that this missense variant is not expected to disrupt KAT6B protein function with a negative predictive value of 80%. In summary, the available evidence is currently insufficient to determine the role of this variant in disease. Therefore, it has been classified as a Variant of Uncertain Significance.

Fulgent Genetics
Classification: Uncertain significance for Blepharophimosis - intellectual disability syndrome, SBBYS type; Genitopatellar syndrome. Last evaluated: 2024-02-14. Review status: criteria provided, single submitter. Criteria: ACMG Guidelines, 2015. Collection method: clinical testing. Allele origin: germline.